The following is an entry in ClinVar:

ClinVar aggregate classification (germline): Uncertain significance (1 of 4 stars; one submission).

Submission:

Labcorp Genetics (formerly Invitae), Labcorp
Classification: Uncertain significance. Last evaluated: 2022-12-31. Review status: criteria provided, single submitter. Criteria: Invitae Variant Classification Sherloc (09022015). Collection method: clinical testing. Allele origin: germline.
Comment: This sequence change replaces phenylalanine, which is neutral and non-polar, with leucine, which is neutral and non-polar, at codon 168 of the SMARCB1 protein (p.Phe168Leu). This variant is not present in population databases (gnomAD no frequency). This variant has not been reported in the literature in individuals affected with SMARCB1-related conditions. Advanced modeling of protein sequence and biophysical properties (such as structural, functional, and spatial information, amino acid conservation, physicochemical variation, residue mobility, and thermodynamic stability) performed at Invitae indicates that this missense variant is not expected to disrupt SMARCB1 protein function. In summary, the available evidence is currently insufficient to determine the role of this variant in disease. Therefore, it has been classified as a Variant of Uncertain Significance.

NM_003073.5(SMARCB1):c.502T>C (p.Phe168Leu)

Gene: SMARCB1 (SWI/SNF related BAF chromatin remodeling complex subunit B1; plus strand). Cytogenetic location: 22q11.23.
Variant type: single nucleotide variant.
Coding change: c.502T>C on transcript NM_003073.5 (MANE Select); coding-DNA position 502, T replaced by C.
Protein change: p.Phe168Leu; replaces phenylalanine 168 with leucine.
Molecular consequence: missense variant.
Genome position (GRCh38, 1-based): chr22:23,803,296, T>C. VCF-style: chr22-23803296-T-C. GRCh37 (hg19) VCF-style: chr22-24145483-T-C.
Other names: c.475T>C, p.Phe159Leu (NM_001007468.3); c.529T>C, p.Phe177Leu (NM_001317946.2); c.556T>C, p.Phe186Leu (NM_001362877.2); short protein forms F168L, F186L, F159L, F177L.
Identifiers: ClinVar variation 2825396 (VCV002825396.3), dbSNP rs2517683994, ClinGen allele CA410935400.